The following is an entry in ClinVar:

ClinVar aggregate classification (germline): Uncertain significance (1 of 4 stars; one submission).

Conditions:
Fanconi anemia (FA). Also called: Fanconi's anemia. Identifiers: Orphanet 84, MedGen C0015625, MeSH D005199, MONDO:0019391.

Submission:

Labcorp Genetics (formerly Invitae), Labcorp
Classification: Uncertain significance for Fanconi anemia. Last evaluated: 2025-03-23. Review status: criteria provided, single submitter. Criteria: Invitae Variant Classification Sherloc (09022015). Collection method: clinical testing. Allele origin: germline.
Comment: This sequence change falls in intron 36 of the FANCA gene. It does not directly change the encoded amino acid sequence of the FANCA protein. It affects a nucleotide within the consensus splice site. This variant is not present in population databases (gnomAD no frequency). This variant has not been reported in the literature in individuals affected with FANCA-related conditions. Variants that disrupt the consensus splice site are a relatively common cause of aberrant splicing (PMID: 17576681, 9536098). Algorithms developed to predict the effect of sequence changes on RNA splicing suggest that this variant is not likely to affect RNA splicing. In summary, the available evidence is currently insufficient to determine the role of this variant in disease. Therefore, it has been classified as a Variant of Uncertain Significance.

Literature cited by the submitters: PubMed 17576681; PubMed 9536098.

NM_000135.4(FANCA):c.3626+4C>G

Gene: FANCA (FA complementation group A; minus strand). Cytogenetic location: 16q24.3.
Variant type: single nucleotide variant.
Coding change: c.3626+4C>G on transcript NM_000135.4 (MANE Select); 4 bases into the intron after coding-DNA position 3626, C replaced by G.
Molecular consequence: intron variant.
Genome position (GRCh38, 1-based): chr16:89,744,955, G>C on the plus strand (C>G on the coding strand, the complement: FANCA is on the minus strand). VCF-style: chr16-89744955-G-C. GRCh37 (hg19) VCF-style: chr16-89811363-G-C.
Other names: c.3626+4C>G (NM_001286167.3).
Identifiers: ClinVar variation 4763583 (VCV004763583.1).